The following is an entry in ClinVar:

NM_016729.3(FOLR1):c.393C>T (p.Asn131=)

Genes: FOLR1 (folate receptor alpha; plus strand), FOLR1-AS1 (FOLR1 antisense RNA 1; minus strand). Cytogenetic location: 11q13.4.
Variant type: single nucleotide variant.
Coding change: c.393C>T on transcript NM_016729.3 (MANE Select); coding-DNA position 393, C replaced by T.
Protein change: p.Asn131=; no amino-acid change (asparagine 131 retained).
Molecular consequence: synonymous variant.
Genome position (GRCh38, 1-based): chr11:72,195,647, C>T. VCF-style: chr11-72195647-C-T. GRCh37 (hg19) VCF-style: chr11-71906691-C-T.
Other names: c.393C>T (NM_016724.2); c.393C>T, p.Asn131= (NM_000802.3, NM_016724.3, NM_016725.3).
Identifiers: ClinVar variation 470724 (VCV000470724.12), dbSNP rs61735636, ClinGen allele CA6169182.
Genomic context (GRCh38, chr11:72,195,647, plus strand): 5'-CTTCTTTTGTATCAAAATCACCCAGGTGGATCAGAGCTGGCGCAAAGAGCGGGTACTGAA[C>T]GTGCCCCTGTGCAAAGAGGACTGTGAGCAATGGTGGGAAGATTGTCGCACCTCCTACACC-3'
Protein context (NP_057941.1, residues 121-141): DQSWRKERVL[Asn131=]VPLCKEDCEQ

ClinVar aggregate classification (germline): Likely benign. Review status: criteria provided, single submitter (1 of 4 stars). 2 submissions from 2 submitters: Likely benign (1). 1 of the submissions does not count toward it. Last evaluated 2025-10-01.

Conditions:
Cerebral folate transport deficiency. Also called: Neurodegenerative syndrome due to cerebral folate transport deficiency; Cerebral folate deficiency syndrome; FOLATE RECEPTOR DEFICIENCY; NEURODEGENERATION DUE TO CEREBRAL FOLATE TRANSPORT DEFICIENCY; FOLR1-Related Cerebral Folate Transport Deficiency. Identifiers: Orphanet 217382, MedGen C2751584, MONDO:0013110, OMIM 613068. Disease mechanism: loss of function.
FOLR1-related disorder. Also called: FOLR1-related condition.

Allele frequency attached by ClinVar (database versions not stated): TOPMed 0.00002; gnomAD 0.00003; gnomAD exomes 0.00006; ExAC 0.00007.
gnomAD v4.1: 59 of 1,614,092 alleles (0.0037%); highest among the groups gnomAD compares: Admixed American, 0.022%; no homozygotes.

Submissions (2):

Labcorp Genetics (formerly Invitae), Labcorp
Classification: Likely benign for Cerebral folate transport deficiency. Last evaluated: 2025-10-01. Review status: criteria provided, single submitter. Criteria: Invitae Variant Classification Sherloc (09022015). Collection method: clinical testing. Allele origin: germline.

PreventionGenetics, part of Exact Sciences
Classification: Likely benign for FOLR1-related condition. Last evaluated: 2020-03-26. Review status: no assertion criteria provided. Collection method: clinical testing. Allele origin: germline. Not counted in ClinVar's aggregate classification.
Comment: This variant is classified as likely benign based on ACMG/AMP sequence variant interpretation guidelines (Richards et al. 2015 PMID: 25741868, with internal and published modifications).